The following is an entry in ClinVar:

ClinVar aggregate classification (germline): Uncertain significance (1 of 4 stars; one submission).

Conditions:
CDKL5 disorder. Identifiers: MedGen CN296942, MONDO:0100039.

Submission:

Centre for Population Genomics, CPG
Classification: Uncertain significance for CDKL5 disorder. Last evaluated: 2025-01-13. Review status: criteria provided, single submitter. Criteria: McKnight et al. (Hum Mutat. 2022). Collection method: curation. Allele origin: germline. Inheritance: X-linked inheritance.
Comment: Based on the classification scheme defined by the ClinGen Rett/Angelman-like Expert Panel for Rett/AS-like Disorders Specifications to the ACMG/AMP Variant Interpretation Guidelines VCEP 3.0, this variant is classified as a variant of uncertain significance. At least the following criteria are met: This variant is absent from gnomAD (PM2_Supporting).

NM_001323289.2(CDKL5):c.*7133G>A

Gene: CDKL5 (cyclin dependent kinase like 5; plus strand). Cytogenetic location: Xp22.13.
Variant type: single nucleotide variant.
Coding change: c.*7133G>A on transcript NM_001323289.2 (MANE Select); 7133 bases downstream of the stop codon, G replaced by A.
Molecular consequence: 3 prime UTR variant. On other transcripts: intron variant (2).
Genome position (GRCh38, 1-based): chrX:18,635,890, G>A. VCF-style: chrX-18635890-G-A. GRCh37 (hg19) VCF-style: chrX-18654010-G-A.
Other names: NM_003159.3:c.2713+7303G>A; c.2713+7303G>A (NM_003159.3, NM_001037343.2).
Identifiers: ClinVar variation 3602054 (VCV003602054.1).